The following is an entry in ClinVar:

NM_001276270.2(MBD4):c.682G>C (p.Val228Leu)

Gene: MBD4 (methyl-CpG binding domain 4, DNA glycosylase; minus strand). Cytogenetic location: 3q21.3.
Variant type: single nucleotide variant.
Coding change: c.682G>C on transcript NM_001276270.2 (MANE Select); coding-DNA position 682, G replaced by C.
Protein change: p.Val228Leu; replaces valine 228 with leucine.
Molecular consequence: missense variant. On other transcripts: intron variant (1).
Genome position (GRCh38, 1-based): chr3:129,436,962, C>G on the plus strand (G>C on the coding strand, the complement: MBD4 is on the minus strand). VCF-style: chr3-129436962-C-G. GRCh37 (hg19) VCF-style: chr3-129155805-C-G.
Other names: c.682G>C, p.Val228Leu (NM_001276271.2, NM_001276272.2, NM_003925.3); c.247+846G>C (NM_001276273.2); c.682G>C (NM_003925.2); short protein forms V228L.
Identifiers: ClinVar variation 2163156 (VCV002163156.6), dbSNP rs140696334, ClinGen allele CA2605485.
Genomic context (GRCh38, chr3:129,436,962, plus strand): 5'-TTTTAGTTTTCTTAATTGGGATTCCTTTCAAAATAGTCACCTTTCCTTTGGGCTTTCTAA[C>G]CTTTCTGAAGTTAACATCATCAACACCCTCATCTTCTTTCAAAAGCAAATGAGTGGAAGT-3'
Protein context (NP_001263199.1, residues 218-238): EGVDDVNFRK[Val228Leu]RKPKGKVTIL

ClinVar aggregate classification (germline): Conflicting classifications of pathogenicity. Review status: criteria provided, conflicting classifications (1 of 4 stars). 3 submissions from 3 submitters: Uncertain significance (2); Likely benign (1). Last evaluated 2026-05-13.

Conditions:
MBD4-related disorder. Also called: MBD4-related condition.
Inborn genetic diseases. Identifiers: MedGen C0950123, MeSH D030342.

Allele frequency attached by ClinVar (database versions not stated): ExAC 0.00010; ESP Exome Variant Server 0.00023.
gnomAD v4.1: 127 of 1,614,038 alleles (0.0079%); highest among the groups gnomAD compares: Non-Finnish European, 0.009%; no homozygotes.

Submissions (3):

PreventionGenetics, part of Exact Sciences
Classification: Uncertain significance for MBD4-related condition. Last evaluated: 2026-05-13. Review status: criteria provided, single submitter. Criteria: ACMG Guidelines, 2015. Collection method: clinical testing. Allele origin: germline.
Comment: The MBD4 c.682G>C variant is predicted to result in the amino acid substitution p.Val228Leu. This variant has been reported in the literature in an individual with uveal melanoma (Repo et al. 2020. PubMed ID: 32421892). This variant is reported in 0.032% of alleles in individuals of European (Finnish) descent in gnomAD. This variant has conflicting interpretations in ClinVar ranging from uncertain to likely benign (Variation ID: 2163156). At this time, the clinical significance of this variant is uncertain due to the absence of conclusive functional and genetic evidence.

Labcorp Genetics (formerly Invitae), Labcorp
Classification: Uncertain significance. Last evaluated: 2026-01-27. Review status: criteria provided, single submitter. Criteria: Invitae Variant Classification Sherloc (09022015). Collection method: clinical testing. Allele origin: germline.
Comment: This sequence change replaces valine, which is neutral and non-polar, with leucine, which is neutral and non-polar, at codon 228 of the MBD4 protein (p.Val228Leu). This variant is present in population databases (rs140696334, gnomAD 0.03%). This missense change has been observed in individual(s) with uveal melanoma (PMID: 32421892). ClinVar contains an entry for this variant (Variation ID: 2163156). An algorithm developed to predict the effect of missense changes on protein structure and function outputs the following: PolyPhen-2: "Benign". The leucine amino acid residue is found in multiple mammalian species, which suggests that this missense change does not adversely affect protein function. In summary, the available evidence is currently insufficient to determine the role of this variant in disease. Therefore, it has been classified as a Variant of Uncertain Significance.

Ambry Genetics
Classification: Likely benign for Inborn genetic diseases. Last evaluated: 2024-10-29. Review status: criteria provided, single submitter. Criteria: Ambry Variant Classification Scheme 2023. Collection method: clinical testing. Allele origin: germline.

Literature cited by the submitters: PubMed 32421892 (cited by Labcorp Genetics (formerly Invitae), Labcorp and Ambry Genetics).